The following is an entry in ClinVar:

NM_004629.2(FANCG):c.787_788del (p.Gln263fs)

Gene: FANCG (FA complementation group G; minus strand). Cytogenetic location: 9p13.3.
Variant type: Microsatellite.
Coding change: c.787_788del on transcript NM_004629.2 (MANE Select); coding-DNA positions 787 to 788, 2 bases deleted (CA; older notation c.787_788delCA).
Protein change: p.Gln263fs; shifts the reading frame from glutamine 263.
Molecular consequence: frameshift variant.
Genome position (GRCh38, 1-based): chr9:35,076,860-35,076,861, TG deleted on the plus strand (CA on the coding strand, the reverse complement: FANCG is on the minus strand); deleting any 2 consecutive bases within chr9:35,076,860-35,076,863 gives the same sequence; the c. name uses the placement nearest the transcript's 3' end. VCF-style (leftmost placement, unchanged base first): chr9-35076859-CTG-C. GRCh37 (hg19) VCF-style: chr9-35076856-CTG-C.
Other names: c.787_788del (NM_004629.1); c.785_786CA[1], p.Gln263Glufs (NM_004629.1); short protein forms Q263fs.
Identifiers: ClinVar variation 2818706 (VCV002818706.4), dbSNP rs2490402822, ClinGen allele CA2739269191.

ClinVar aggregate classification (germline): Pathogenic/Likely pathogenic. Review status: criteria provided, multiple submitters, no conflicts (2 of 4 stars). 2 submissions from 2 submitters: Pathogenic (1); Likely pathogenic (1). Last evaluated 2024-11-21.

Conditions:
Fanconi anemia (FA). Also called: Fanconi's anemia. Identifiers: Orphanet 84, MedGen C0015625, MeSH D005199, MONDO:0019391.
Fanconi anemia complementation group G. Also called: Fanconi anemia group G; FANCG-Related Fanconi Anemia. Identifiers: Orphanet 84, MedGen C3469527, MONDO:0013565, OMIM 614082.

Submissions (2):

Natera, Inc.
Classification: Likely pathogenic for Fanconi anemia group G. Last evaluated: 2024-11-21. Review status: criteria provided, single submitter. Criteria: Natera Variant Classification Schema (03/2026). Collection method: clinical testing. Allele origin: germline.
Comment: The c.787_788del variant in FANCG is a frameshift variant predicted to shift the reading frame beginning at codon 263 and leads to a stop codon 25 codons downstream. This variant is expected to result in nonsense mediated decay, truncation, or a dysfunctional protein product. This variant is rare in the general population with a frequency below the threshold expected for the associated phenotype(s). Given the available evidence, this variant is classified as Likely Pathogenic.

Labcorp Genetics (formerly Invitae), Labcorp
Classification: Pathogenic for Fanconi anemia. Last evaluated: 2022-12-20. Review status: criteria provided, single submitter. Criteria: Invitae Variant Classification Sherloc (09022015). Collection method: clinical testing. Allele origin: germline.
Comment: For these reasons, this variant has been classified as Pathogenic. This variant has not been reported in the literature in individuals affected with FANCG-related conditions. This variant is not present in population databases (gnomAD no frequency). This sequence change creates a premature translational stop signal (p.Gln263Glufs*25) in the FANCG gene. It is expected to result in an absent or disrupted protein product. Loss-of-function variants in FANCG are known to be pathogenic (PMID: 12552564).

Literature cited by the submitters: PubMed 12552564 (cited by Labcorp Genetics (formerly Invitae), Labcorp).